The following is an entry in ClinVar:

NM_001163278.2(TENM1):c.191G>C (p.Arg64Thr)

Gene: TENM1 (teneurin transmembrane protein 1; minus strand). Cytogenetic location: Xq25.
Variant type: single nucleotide variant.
Coding change: c.191G>C on transcript NM_001163278.2 (MANE Select); coding-DNA position 191, G replaced by C.
Protein change: p.Arg64Thr; replaces arginine 64 with threonine.
Molecular consequence: missense variant.
Genome position (GRCh38, 1-based): chrX:124,963,563, C>G on the plus strand (G>C on the coding strand, the complement: TENM1 is on the minus strand). VCF-style: chrX-124963563-C-G. GRCh37 (hg19) VCF-style: chrX-124097412-C-G.
Other names: c.191G>C, p.Arg64Thr (NM_001163279.1, NM_014253.3); short protein forms R64T.
Identifiers: ClinVar variation 4593845 (VCV004593845.1).

ClinVar aggregate classification (germline): Uncertain significance (1 of 4 stars; one submission).

gnomAD v4.1: 2 of 1,209,756 alleles (0.00017%); highest among the groups gnomAD compares: South Asian, 0.0035%; no homozygotes.

Submission:

Ambry Genetics
Classification: Uncertain significance. Last evaluated: 2025-11-12. Review status: criteria provided, single submitter. Criteria: Ambry Variant Classification Scheme 2023. Collection method: clinical testing. Allele origin: germline.
Comment: The c.191G>C (p.R64T) alteration is located in exon 1 (coding exon 1) of the TENM1 gene. This alteration results from a G to C substitution at nucleotide position 191, causing the arginine (R) at amino acid position 64 to be replaced by a threonine (T). Based on data from gnomAD, the C allele has an overall frequency of <0.001% (1/182439) total alleles studied. The highest observed frequency was 0.005% (1/18671) of South Asian alleles. Based on insufficient or conflicting evidence, the clinical significance of this alteration remains unclear.